The following is an entry in ClinVar:

ClinVar aggregate classification (germline): Uncertain significance. Review status: criteria provided, multiple submitters, no conflicts (2 of 4 stars). 4 submissions from 4 submitters: Uncertain significance (4). Last evaluated 2025-08-09.

Conditions:
Inborn genetic diseases. Identifiers: MedGen C0950123, MeSH D030342.
Developmental and epileptic encephalopathy, 18 (DEE18). Also called: Early infantile epileptic encephalopathy 18. Identifiers: Orphanet 369894, MedGen C3809624, MONDO:0014201, OMIM 615476.

Allele frequency attached by ClinVar (database versions not stated): TOPMed 0.00005; 1000 Genomes Project 30x 0.00031; gnomAD 0.00004; gnomAD exomes 0.00003; ExAC 0.00004.
gnomAD v4.1: 50 of 1,612,994 alleles (0.0031%); highest among the groups gnomAD compares: South Asian, 0.018%; 1 homozygote.

Submissions (4):

Ambry Genetics
Classification: Uncertain significance for Inborn genetic diseases. Last evaluated: 2025-08-09. Review status: criteria provided, single submitter. Criteria: Ambry Variant Classification Scheme 2023. Collection method: clinical testing. Allele origin: germline.

GeneDx
Classification: Uncertain significance. Last evaluated: 2025-07-01. Review status: criteria provided, single submitter. Criteria: GeneDx Variant Classification Process June 2021. Collection method: clinical testing. Allele origin: germline.
Comment: In silico analysis suggests that this missense variant does not alter protein structure/function; Has not been previously published as pathogenic or benign to our knowledge

Genome-Nilou Lab
Classification: Uncertain significance for Developmental and epileptic encephalopathy, 18. Last evaluated: 2023-04-11. Review status: criteria provided, single submitter. Criteria: ACMG Guidelines, 2015. Collection method: clinical testing. Allele origin: germline. Affected: no.

Labcorp Genetics (formerly Invitae), Labcorp
Classification: Uncertain significance. Last evaluated: 2022-07-05. Review status: criteria provided, single submitter. Criteria: Invitae Variant Classification Sherloc (09022015). Collection method: clinical testing. Allele origin: germline.
Comment: This sequence change replaces valine, which is neutral and non-polar, with methionine, which is neutral and non-polar, at codon 1516 of the SZT2 protein (p.Val1516Met). This variant is present in population databases (rs556736033, gnomAD 0.02%). This variant has not been reported in the literature in individuals affected with SZT2-related conditions. ClinVar contains an entry for this variant (Variation ID: 864826). Algorithms developed to predict the effect of missense changes on protein structure and function output the following: SIFT: "Deleterious"; PolyPhen-2: "Probably Damaging"; Align-GVGD: "Class C15". The methionine amino acid residue is found in multiple mammalian species, which suggests that this missense change does not adversely affect protein function. In summary, the available evidence is currently insufficient to determine the role of this variant in disease. Therefore, it has been classified as a Variant of Uncertain Significance.

NM_001365999.1(SZT2):c.4717G>A (p.Val1573Met)

Gene: SZT2 (SZT2 subunit of KICSTOR complex; plus strand). Cytogenetic location: 1p34.2.
Variant type: single nucleotide variant.
Coding change: c.4717G>A on transcript NM_001365999.1 (MANE Select); coding-DNA position 4717, G replaced by A.
Protein change: p.Val1573Met; replaces valine 1573 with methionine.
Molecular consequence: missense variant.
Genome position (GRCh38, 1-based): chr1:43,430,732, G>A. VCF-style: chr1-43430732-G-A. GRCh37 (hg19) VCF-style: chr1-43896403-G-A.
Other names: c.4546G>A, p.Val1516Met (NM_015284.4); short protein forms V1573M, V1516M.
Identifiers: ClinVar variation 864826 (VCV000864826.10), dbSNP rs556736033, ClinGen allele CA809358.